The following is an entry in ClinVar:

ClinVar aggregate classification (germline): Likely pathogenic. Review status: criteria provided, single submitter (1 of 4 stars). 2 submissions from 2 submitters: Likely pathogenic (1). 1 of the submissions does not count toward it. Last evaluated 2026-06-16.

Conditions:
ACTN4-related disorder. Also called: ACTN4-related condition.
Focal segmental glomerulosclerosis 1 (FSGS1). Identifiers: Orphanet 656, MedGen C4551527, MONDO:0011303, OMIM 603278.

Submissions (2):

PreventionGenetics, part of Exact Sciences
Classification: Likely pathogenic for ACTN4-related condition. Last evaluated: 2026-06-16. Review status: criteria provided, single submitter. Criteria: ACMG Guidelines, 2015. Collection method: clinical testing. Allele origin: germline.
Comment: The ACTN4 c.510_512delTCT variant is predicted to result in an in-frame deletion (p.Leu171del). To our knowledge, this variant has not been reported in the literature or in a large population database (gnomAD), indicating this variant is rare. Of note, a nearby in-frame deletion, defined as c.448_450del (p.Ile150del), was reported to be segregated with disease in a large family and result in an increased actin-binding activity (reported as I149del, Weins et al. 2005. PubMed ID: 16251236). In summary, the c.510_512del (p.Leu171del) variant is interpreted as likely pathogenic.

Bioscientia Institut fuer Medizinische Diagnostik GmbH, Sonic Healthcare
Classification: Likely pathogenic for Focal segmental glomerulosclerosis 1. Last evaluated: 2018-01-09. Review status: no assertion criteria provided. Collection method: clinical testing. Allele origin: germline. Affected: yes. Not counted in ClinVar's aggregate classification.

NM_004924.6(ACTN4):c.510_512del (p.Leu171del)

Gene: ACTN4 (actinin alpha 4; plus strand). Cytogenetic location: 19q13.2.
Variant type: Deletion.
Coding change: c.510_512del on transcript NM_004924.6 (MANE Select); coding-DNA positions 510 to 512, 3 bases deleted (TCT; older notation c.510_512delTCT).
Protein change: p.Leu171del; deletes leucine 171.
Molecular consequence: inframe deletion.
Genome position (GRCh38, 1-based): chr19:38,706,069-38,706,071, TCT deleted; deleting any 3 consecutive bases within chr19:38,706,067-38,706,071 gives the same sequence; the c. name uses the placement nearest the transcript's 3' end. VCF-style (leftmost placement, unchanged base first): chr19-38706066-CCTT-C. GRCh37 (hg19) VCF-style: chr19-39196706-CCTT-C.
Other names: c.510_512del, p.Leu171del (NM_001322033.2); c.510_512delTCT (NM_004924.5); short protein forms L171del.
Identifiers: ClinVar variation 599063 (VCV000599063.3), dbSNP rs1568725026, ClinGen allele CA913190546.